The following is an entry in ClinVar:

ClinVar aggregate classification (germline): Benign (1 of 4 stars; one submission).

gnomAD v4.1: 978 of 1,613,948 alleles (0.061%); highest among the groups gnomAD compares: African/African-American, 0.99%; 7 homozygotes.

Submission:

CeGaT Center for Human Genetics Tuebingen
Classification: Benign. Last evaluated: 2026-04-01. Review status: criteria provided, single submitter. Criteria: CeGaT Center For Human Genetics Tuebingen Variant Classification Criteria Version 2. Collection method: clinical testing. Allele origin: germline. Affected: yes. Observed: 1 variant allele.
Comment: HRNR: BS1, BS2

NM_001009931.3(HRNR):c.2603G>C (p.Gly868Ala)

Genes: CCDST (cervical cancer associated DHX9 suppressive transcript; plus strand), HRNR (hornerin; minus strand). Cytogenetic location: 1q21.3.
Variant type: single nucleotide variant.
Coding change: c.2603G>C on transcript NM_001009931.3 (MANE Select); coding-DNA position 2603, G replaced by C.
Protein change: p.Gly868Ala; replaces glycine 868 with alanine.
Molecular consequence: missense variant.
Genome position (GRCh38, 1-based): chr1:152,219,026, C>G on the plus strand (G>C on the coding strand, the complement: HRNR is on the minus strand). VCF-style: chr1-152219026-C-G. GRCh37 (hg19) VCF-style: chr1-152191502-C-G.
Other names: short protein forms G868A.
Identifiers: ClinVar variation 4872415 (VCV004872415.2).